The following is an entry in ClinVar:

ClinVar aggregate classification (germline): Likely pathogenic (1 of 4 stars; one submission).

Conditions:
Alagille syndrome due to a JAG1 point mutation. Also called: JAG1-Related Alagille Syndrome; HEPATIC DUCTULAR HYPOPLASIA, SYNDROMATIC; Alagille Syndrome 1. Identifiers: Orphanet 261619, Orphanet 52, MedGen C1956125, MONDO:0016862, OMIM 118450.

Submission:

Labcorp Genetics (formerly Invitae), Labcorp
Classification: Likely pathogenic for Alagille syndrome due to a JAG1 point mutation. Last evaluated: 2024-02-01. Review status: criteria provided, single submitter. Criteria: Invitae Variant Classification Sherloc (09022015). Collection method: clinical testing. Allele origin: germline.
Comment: This sequence change affects a donor splice site in intron 12 of the JAG1 gene. It is expected to disrupt RNA splicing. Variants that disrupt the donor or acceptor splice site typically lead to a loss of protein function (PMID: 16199547), and loss-of-function variants in JAG1 are known to be pathogenic (PMID: 11180599). This variant is not present in population databases (gnomAD no frequency). This variant has not been reported in the literature in individuals affected with JAG1-related conditions. Algorithms developed to predict the effect of sequence changes on RNA splicing suggest that this variant may disrupt the consensus splice site. In summary, the currently available evidence indicates that the variant is pathogenic, but additional data are needed to prove that conclusively. Therefore, this variant has been classified as Likely Pathogenic.

Literature cited by the submitters: PubMed 16199547; PubMed 11180599.

NM_000214.3(JAG1):c.1569+1G>A

Gene: JAG1 (jagged canonical Notch ligand 1; minus strand). Cytogenetic location: 20p12.2.
Variant type: single nucleotide variant.
Coding change: c.1569+1G>A on transcript NM_000214.3 (MANE Select); the canonical splice donor site of the intron after coding-DNA position 1569, G replaced by A.
Molecular consequence: splice donor variant.
Genome position (GRCh38, 1-based): chr20:10,648,548, C>T on the plus strand (G>A on the coding strand, the complement: JAG1 is on the minus strand). VCF-style: chr20-10648548-C-T. GRCh37 (hg19) VCF-style: chr20-10629196-C-T.
Identifiers: ClinVar variation 2880000 (VCV002880000.3), dbSNP rs2514517119, ClinGen allele CA408237212.
Genomic context (GRCh38, chr20:10,648,548, plus strand): 5'-GCGGAGGAGGCAGCGGCTCTGCTCTAAAAACTTGGCCATCTGAGGTTTTGCCACCACTCA[C>T]CTGACAGAGGTTTCCAGAGAAACCAGTGGGACACAGACACTGGAATCTGTTGATTTCATT-3'